The following is an entry in ClinVar:

NM_000133.4(F9):c.260T>C (p.Phe87Ser)

Gene: F9 (coagulation factor IX; plus strand). Cytogenetic location: Xq27.1.
Variant type: single nucleotide variant.
Coding change: c.260T>C on transcript NM_000133.4 (MANE Select); coding-DNA position 260, T replaced by C.
Protein change: p.Phe87Ser; replaces phenylalanine 87 with serine.
Molecular consequence: missense variant.
Genome position (GRCh38, 1-based): chrX:139,537,369, T>C. VCF-style: chrX-139537369-T-C. GRCh37 (hg19) VCF-style: chrX-138619528-T-C.
Other names: c.260T>C, p.Phe87Ser (NM_001313913.2); short protein forms F87S.
Identifiers: ClinVar variation 4992659 (VCV004992659.1).
Genomic context (GRCh38, chrX:139,537,369, plus strand): 5'-TACCAAAACACTTTAGATATTACCGTTAATTTGTCTTCTTTTATTCTTTATAGACTGAAT[T>C]TTGGAAGCAGTATGTTGGTAAGCAATTCATTTTATCCTCTAGCTAATATATGAAACATAT-3'
Protein context (NP_000124.1, residues 77-97): VFENTERTTE[Phe87Ser]WKQYVDGDQC

ClinVar aggregate classification (germline): Uncertain significance (1 of 4 stars; one submission).

Conditions:
F9-related disorder. Also called: F9-related condition.

Submission:

PreventionGenetics, part of Exact Sciences
Classification: Uncertain significance for F9-related condition. Last evaluated: 2026-07-10. Review status: criteria provided, single submitter. Criteria: ACMG Guidelines, 2015. Collection method: clinical testing. Allele origin: germline.
Comment: The F9 c.260T>C variant is predicted to result in the amino acid substitution p.Phe87Ser. To our knowledge, this variant has not been reported in the literature or in a large population database (gnomAD), indicating this variant is rare. Alternate missense changes at the same amino acid position (p.Phe87Val and p.Phe87Cys) have been reported in individuals affected with factor IX deficiency. At this time, the clinical significance of the p.Phe87Ser variant is uncertain due to the absence of conclusive functional and genetic evidence.